The following is an entry in ClinVar:

NM_130384.3(ATRIP):c.926G>A (p.Gly309Asp)

Genes: ATRIP (ATR interacting protein; plus strand), ATRIP-TREX1 (ATRIP-TREX1 readthrough; plus strand). Cytogenetic location: 3p21.31.
Variant type: single nucleotide variant.
Coding change: c.926G>A on transcript NM_130384.3 (MANE Select); coding-DNA position 926, G replaced by A.
Protein change: p.Gly309Asp; replaces glycine 309 with aspartic acid.
Molecular consequence: missense variant. On other transcripts: non-coding transcript variant (1).
Genome position (GRCh38, 1-based): chr3:48,459,787, G>A. VCF-style: chr3-48459787-G-A. GRCh37 (hg19) VCF-style: chr3-48501186-G-A.
Other names: c.545G>A, p.Gly182Asp (NM_001271022.2); c.647G>A, p.Gly216Asp (NM_001271023.2); c.926G>A, p.Gly309Asp (NM_032166.4); short protein forms G309D, G182D, G216D.
Identifiers: ClinVar variation 3810925 (VCV003810925.1).

ClinVar aggregate classification (germline): Uncertain significance (1 of 4 stars; one submission).

Submission:

Ambry Genetics
Classification: Uncertain significance. Last evaluated: 2025-02-20. Review status: criteria provided, single submitter. Criteria: Ambry Variant Classification Scheme 2023. Collection method: clinical testing. Allele origin: germline.
Comment: The p.G309D variant (also known as c.926G>A) is located in coding exon 7 of the ATRIP gene. The glycine at codon 309 is replaced by aspartic acid, an amino acid with similar properties. This change occurs in the first base pair of coding exon 7. This amino acid position is conserved. In addition, this alteration is predicted to be deleterious by in silico analysis. Based on the available evidence, the clinical significance of this variant remains unclear.